The following is an entry in ClinVar:

NM_001145358.2(SIN3A):c.837G>A (p.Pro279=)

Gene: SIN3A (SIN3 transcription regulator family member A; minus strand). Cytogenetic location: 15q24.2.
Variant type: single nucleotide variant.
Coding change: c.837G>A on transcript NM_001145358.2 (MANE Select); coding-DNA position 837, G replaced by A.
Protein change: p.Pro279=; no amino-acid change (proline 279 retained).
Molecular consequence: synonymous variant.
Genome position (GRCh38, 1-based): chr15:75,411,663, C>T on the plus strand (G>A on the coding strand, the complement: SIN3A is on the minus strand). VCF-style: chr15-75411663-C-T. GRCh37 (hg19) VCF-style: chr15-75704004-C-T.
Other names: c.837G>A, p.Pro279= (NM_001145357.2, NM_015477.3).
Identifiers: ClinVar variation 1445870 (VCV001445870.14), dbSNP rs535260527, ClinGen allele CA7667801.

ClinVar aggregate classification (germline): Likely benign. Review status: criteria provided, multiple submitters, no conflicts (2 of 4 stars). 2 submissions from 2 submitters: Likely benign (2). Last evaluated 2025-09-01.

Allele frequency attached by ClinVar (database versions not stated): gnomAD 0.00002; TOPMed 0.00009; 1000 Genomes Project 30x 0.00016.
gnomAD v4.1: 42 of 1,613,974 alleles (0.0026%); highest among the groups gnomAD compares: Admixed American, 0.012%; no homozygotes.

Submissions (3):

CeGaT Center for Human Genetics Tuebingen
Classification: Likely benign. Last evaluated: 2025-09-01. Review status: criteria provided, single submitter. Criteria: CeGaT Center For Human Genetics Tuebingen Variant Classification Criteria Version 2. Collection method: clinical testing. Allele origin: germline. Affected: yes. Observed: 1 variant allele.
Comment: SIN3A: BP4, BP7

Labcorp Genetics (formerly Invitae), Labcorp
Classification: Likely benign. Last evaluated: 2025-08-29. Review status: criteria provided, single submitter. Criteria: Invitae Variant Classification Sherloc (09022015). Collection method: clinical testing. Allele origin: germline.

Dr. Peter K. Rogan Lab, Western University
No classification provided (evidence only). Condition: Ovarian serous cystadenocarcinoma. Review status: no classification provided. Collection method: in vitro. Allele origin: not applicable. Functional consequence: retained intron. Not counted in ClinVar's aggregate classification.